The following is an entry in ClinVar:

NM_015443.4(KANSL1):c.2287G>A (p.Val763Met)

Gene: KANSL1 (KAT8 regulatory NSL complex subunit 1). Cytogenetic location: 17q21.31.
Variant type: single nucleotide variant.
Coding change: c.2287G>A on transcript NM_015443.4 (MANE Select); coding-DNA position 2287, G replaced by A.
Protein change: p.Val763Met; replaces valine 763 with methionine.
Molecular consequence: missense variant.
Genome position (GRCh38, 1-based): chr17:46,039,132, C>T on the plus strand (G>A on the coding strand, the complement: KANSL1 is on the minus strand). VCF-style: chr17-46039132-C-T. GRCh37 (hg19) VCF-style: chr17-44116498-C-T.
Other names: c.2287G>A, p.Val763Met (NM_001193465.2, NM_001193466.2, NM_001379198.1); short protein forms V763M.
Identifiers: ClinVar variation 1339172 (VCV001339172.7), dbSNP rs781594360, ClinGen allele CA399981169.
Genomic context (GRCh38, chr17:46,039,132, plus strand): 5'-GGTTTGGGTCATGCACGGGTGGTGGTGGGTTGAGCAAGCGCTCTGCTTTTGGCGCTGTCA[C>T]TCGCTCCACCATGGGCACGGCCCCCACATCGTCTAAGTGCTGCCTGTGGGTCCTGTCAGG-3'
Protein context (NP_056258.1, residues 753-773): DVGAVPMVER[Val763Met]TAPKAERLLN

ClinVar aggregate classification (germline): Uncertain significance. Review status: criteria provided, multiple submitters, no conflicts (2 of 4 stars). 2 submissions from 2 submitters: Uncertain significance (2). Last evaluated 2025-12-21.

Conditions:
Koolen-de Vries syndrome (KDVS). Identifiers: Orphanet 96169, MedGen C1864871, MONDO:0012496, OMIM 610443.

gnomAD v4.1: 1 of 1,612,532 alleles (0.000062%); highest among the groups gnomAD compares: South Asian, 0.0011%; no homozygotes.

Submissions (2):

Labcorp Genetics (formerly Invitae), Labcorp
Classification: Uncertain significance for Koolen-de Vries syndrome. Last evaluated: 2025-12-21. Review status: criteria provided, single submitter. Criteria: Invitae Variant Classification Sherloc (09022015). Collection method: clinical testing. Allele origin: germline.
Comment: This sequence change replaces valine, which is neutral and non-polar, with methionine, which is neutral and non-polar, at codon 763 of the KANSL1 protein (p.Val763Met). This variant is not present in population databases (gnomAD no frequency). This variant has not been reported in the literature in individuals affected with KANSL1-related conditions. ClinVar contains an entry for this variant (Variation ID: 1339172). Invitae Evidence Modeling of protein sequence and biophysical properties (such as structural, functional, and spatial information, amino acid conservation, physicochemical variation, residue mobility, and thermodynamic stability) indicates that this missense variant is not expected to disrupt KANSL1 protein function with a negative predictive value of 80%. In summary, the available evidence is currently insufficient to determine the role of this variant in disease. Therefore, it has been classified as a Variant of Uncertain Significance.

Neuberg Centre For Genomic Medicine, NCGM
Classification: Uncertain significance for Koolen-de Vries syndrome. Review status: criteria provided, single submitter. Criteria: ACMG Guidelines, 2015. Collection method: clinical testing. Allele origin: germline. Affected: yes.
Comment: The missense variant p.V763M in KANSL1 (NM_001193466.2) has not been reported previously as a pathogenic variant nor as a benign variant, to our knowledge. The p.V763M variant is novel (not in any individuals) in gnomAD Exomes and is novel (not in any individuals) in 1000 Genomes. There is a small physicochemical difference between valine and methionine, which is not likely to impact secondary protein structure as these residues share similar properties. The p.V763M missense variant is predicted to be damaging by both SIFT and PolyPhen2. The nucleotide c.2287 in KANSL1 is predicted conserved by GERP++ and PhyloP across 100 vertebrates. For these reasons, this variant has been classified as Uncertain Significance.